The following is an entry in ClinVar:

ClinVar aggregate classification (germline): Pathogenic (1 of 4 stars; one submission).

Conditions:
Glycogen storage disease, type V (GSD5). Also called: MCARDLE DISEASE; MUSCLE GLYCOGEN PHOSPHORYLASE DEFICIENCY; MYOPHOSPHORYLASE DEFICIENCY; PYGM DEFICIENCY; McArdle type glycogen storage disease. Identifiers: Orphanet 368, MedGen C0017924, MONDO:0009293, OMIM 232600.

Submission:

Myriad Genetics, Inc.
Classification: Pathogenic for Glycogen storage disease, type V. Last evaluated: 2024-05-14. Review status: criteria provided, single submitter. Criteria: Myriad Autosomal Dominant, Autosomal Recessive and X-Linked Classification Criteria (2023). Collection method: clinical testing. Allele origin: unknown.
Comment: NM_005609.2(PYGM):c.1364_1365ins13(V456Ifs*23) is expected to be pathogenic in the context of glycogen storage disease, PYGM-related. This variant is predicted to lead to an abnormal or absent protein product due to the creation of a premature termination codon in PYGM, a gene where loss-of-function variants are known to be pathogenic. Please note: this variant was assessed in the context of healthy population screening.

NM_005609.4(PYGM):c.1364_1365insTATAAGAGACAGT (p.Val456fs)

Gene: PYGM (glycogen phosphorylase, muscle associated; minus strand). Cytogenetic location: 11q13.1.
Variant type: Insertion.
Coding change: c.1364_1365insTATAAGAGACAGT on transcript NM_005609.4 (MANE Select); coding-DNA positions 1364 to 1365, TATAAGAGACAGT inserted.
Protein change: p.Val456fs; shifts the reading frame from valine 456.
Molecular consequence: frameshift variant.
Genome position: GRCh38 VCF-style: chr11-64753557-G-GACTGTCTCTTATA. GRCh37 (hg19) VCF-style: chr11-64521029-G-GACTGTCTCTTATA.
Other names: c.1100_1101insTATAAGAGACAGT, p.Val368fs (NM_001164716.1); short protein forms V368fs, V456fs.
Identifiers: ClinVar variation 5010817 (VCV005010817.1).